The following is an entry in ClinVar:

ClinVar aggregate classification (germline): Conflicting classifications of pathogenicity. Review status: criteria provided, conflicting classifications (1 of 4 stars). 7 submissions from 6 submitters: Uncertain significance (2); Benign (2); Likely benign (3). Last evaluated 2026-05-01.

Conditions:
Emery-Dreifuss muscular dystrophy 4, autosomal dominant (EDMD4). Also called: EMERY-DREIFUSS MUSCULAR DYSTROPHY 4 WITH VARIABLE FEATURES. Identifiers: Orphanet 261, MedGen C2751807, MONDO:0013071, OMIM 612998.
Autosomal recessive ataxia, Beauce type. Also called: SYNE1 Deficiency; SYNE1-Related Autosomal Recessive Cerebellar Ataxia; ATAXIA, RECESSIVE, OF BEAUCE; Spinocerebellar ataxia, autosomal recessive 8. Identifiers: Orphanet 88644, MedGen C1853116, MONDO:0012549, OMIM 610743.

Allele frequency attached by ClinVar (database versions not stated): gnomAD 0.00020 and 0.00021; gnomAD exomes 0.00029; 1000 Genomes Project 30x 0.00031; ExAC 0.00031; TOPMed 0.00033; ESP Exome Variant Server 0.00038; 1000 Genomes Project 0.00040.
gnomAD v4.1: 458 of 1,614,148 alleles (0.028%); highest among the groups gnomAD compares: Admixed American, 0.067%; 1 homozygote.

Submissions (7):

CeGaT Center for Human Genetics Tuebingen
Classification: Likely benign. Last evaluated: 2026-05-01. Review status: criteria provided, single submitter. Criteria: CeGaT Center For Human Genetics Tuebingen Variant Classification Criteria Version 2. Collection method: clinical testing. Allele origin: germline. Affected: yes. Observed: 1 variant allele.
Comment: SYNE1: BP4, BP7

Labcorp Genetics (formerly Invitae), Labcorp
Classification: Likely benign for Emery-Dreifuss muscular dystrophy 4, autosomal dominant; Autosomal recessive ataxia, Beauce type. Last evaluated: 2025-12-17. Review status: criteria provided, single submitter. Criteria: Invitae Variant Classification Sherloc (09022015). Collection method: clinical testing. Allele origin: germline.

Athena Diagnostics
Classification: Benign. Last evaluated: 2020-10-15. Review status: criteria provided, single submitter. Criteria: Athena Diagnostics criteria. Collection method: clinical testing. Allele origin: unknown.

GeneDx
Classification: Likely benign. Last evaluated: 2020-09-11. Review status: criteria provided, single submitter. Criteria: GeneDx Variant Classification Process June 2021. Collection method: clinical testing. Allele origin: germline. Affected: yes.

Eurofins Ntd Llc (ga)
Classification: Uncertain significance. Last evaluated: 2018-01-24. Review status: criteria provided, single submitter. Criteria: EGL Classification Definitions 2015. Collection method: clinical testing. Allele origin: germline. Observed: 5 variant alleles, 5 heterozygotes.

Illumina Laboratory Services, Illumina
Classification: Benign for Emery-Dreifuss muscular dystrophy 4, autosomal dominant. Last evaluated: 2018-01-13. Review status: criteria provided, single submitter. Criteria: ICSL Variant Classification Criteria 13 December 2019. Collection method: clinical testing. Allele origin: germline.
Comment: This variant was observed in the ICSL laboratory as part of a predisposition screen in an ostensibly healthy population. It had not been previously curated by ICSL or reported in the Human Gene Mutation Database (HGMD: prior to June 1st, 2018), and was therefore a candidate for classification through an automated scoring system. Utilizing variant allele frequency, disease prevalence and penetrance estimates, and inheritance mode, an automated score was calculated to assess if this variant is too frequent to cause the disease. Based on the score and internal cut-off values, a variant classified as benign is not then subjected to further curation. The score for this variant resulted in a classification of benign for this disease.

Illumina Laboratory Services, Illumina
Classification: Uncertain significance for Autosomal recessive ataxia, Beauce type. Last evaluated: 2018-01-13. Review status: criteria provided, single submitter. Criteria: ICSL Variant Classification Criteria 13 December 2019. Collection method: clinical testing. Allele origin: germline.

NM_182961.4(SYNE1):c.16296G>A (p.Arg5432=)

Gene: SYNE1 (spectrin repeat containing nuclear envelope protein 1; minus strand). Cytogenetic location: 6q25.2.
Variant type: single nucleotide variant.
Coding change: c.16296G>A on transcript NM_182961.4 (MANE Select); coding-DNA position 16296, G replaced by A.
Protein change: p.Arg5432=; no amino-acid change (arginine 5432 retained).
Molecular consequence: synonymous variant.
Genome position (GRCh38, 1-based): chr6:152,318,956, C>T on the plus strand (G>A on the coding strand, the complement: SYNE1 is on the minus strand). VCF-style: chr6-152318956-C-T. GRCh37 (hg19) VCF-style: chr6-152640091-C-T.
Other names: c.16083G>A, p.Arg5361= (NM_033071.5).
Identifiers: ClinVar variation 285635 (VCV000285635.25), dbSNP rs144376043, ClinGen allele CA4055550.